The following is an entry in ClinVar:

ClinVar aggregate classification (germline): Likely benign (1 of 4 stars; one submission).

Conditions:
RRAD-related condition.

gnomAD v4.1: 4 of 1,588,574 alleles (0.00025%); highest among the groups gnomAD compares: East Asian, 0.0045%; no homozygotes.

Submission:

PreventionGenetics, part of Exact Sciences
Classification: Likely benign for RRAD-related condition. Last evaluated: 2026-06-03. Review status: criteria provided, single submitter. Criteria: ACMG Guidelines, 2015. Collection method: clinical testing. Allele origin: germline.
Comment: This variant is classified as likely benign based on ACMG/AMP sequence variant interpretation guidelines (Richards et al. 2015 PMID: 25741868, with internal and published modifications).

NM_004165.3(RRAD):c.342G>A (p.Val114=)

Gene: RRAD (RRAD, Ras related glycolysis inhibitor and calcium channel regulator; minus strand). Cytogenetic location: 16q22.1.
Variant type: single nucleotide variant.
Coding change: c.342G>A on transcript NM_004165.3 (MANE Select); coding-DNA position 342, G replaced by A.
Protein change: p.Val114=; no amino-acid change (valine 114 retained).
Molecular consequence: synonymous variant.
Genome position (GRCh38, 1-based): chr16:66,924,838, C>T on the plus strand (G>A on the coding strand, the complement: RRAD is on the minus strand). VCF-style: chr16-66924838-C-T. GRCh37 (hg19) VCF-style: chr16-66958741-C-T.
Other names: c.342G>A, p.Val114= (NM_001128850.2).
Identifiers: ClinVar variation 4988099 (VCV004988099.1).